The following is an entry in ClinVar:

ClinVar aggregate classification (germline): Pathogenic. Review status: criteria provided, multiple submitters, no conflicts (2 of 4 stars). 26 submissions from 26 submitters: Pathogenic (19). 7 of the submissions do not count toward it. Last evaluated 2025-12-15.

Conditions:
NPHS1-related disorder. Also called: NPHS1-related condition.
Inborn genetic diseases. Identifiers: MedGen C0950123, MeSH D030342.
Nephrotic syndrome. Identifiers: MedGen C0027726, MONDO:0005377, HP:0000100.
Finnish congenital nephrotic syndrome (NPHS1). Also called: NEPHROTIC SYNDROME, TYPE 1. Identifiers: Orphanet 839, MedGen C0403399, MONDO:0009732, OMIM 256300.

Allele frequency attached by ClinVar (database versions not stated): gnomAD 0.00001; TOPMed 0.00006; ExAC 0.00007; gnomAD exomes 0.00006 and 0.00010.
gnomAD v4.1: 89 of 1,613,914 alleles (0.0055%); highest among the groups gnomAD compares: South Asian, 0.033%; no homozygotes.

Submissions 1 to 11 of 26:

Labcorp Genetics (formerly Invitae), Labcorp
Classification: Pathogenic. Last evaluated: 2025-12-15. Review status: criteria provided, single submitter. Criteria: Invitae Variant Classification Sherloc (09022015). Collection method: clinical testing. Allele origin: germline.
Comment: This sequence change creates a premature translational stop signal (p.Arg1160*) in the NPHS1 gene. It is expected to result in an absent or disrupted protein product. Loss-of-function variants in NPHS1 are known to be pathogenic (PMID: 11317351, 11854170, 12039988). This variant is present in population databases (rs267606919, gnomAD 0.04%). This premature translational stop signal has been observed in individuals with NPHS1-related conditions (PMID: 9915943, 16518627, 24742477, 24902943, 25720465, 28204945). ClinVar contains an entry for this variant (Variation ID: 6873). Algorithms developed to predict the effect of sequence changes on RNA splicing suggest that this variant may disrupt the consensus splice site. For these reasons, this variant has been classified as Pathogenic.

Natera, Inc.
Classification: Pathogenic for Finnish congenital nephrotic syndrome. Last evaluated: 2025-11-14. Review status: criteria provided, single submitter. Criteria: Natera Variant Classification Schema (03/2026). Collection method: clinical testing. Allele origin: germline.
Comment: The c.3478C>T variant in NPHS1 is a nonsense variant predicted to introduce a stop codon at amino acid 1160. This variant is expected to result in nonsense mediated decay, truncation, or a dysfunctional protein product. This variant is rare in the general population with a frequency below the threshold expected for the associated phenotype(s). This variant has been observed in one or more individuals affected with the associated recessive disease, as either homozygous or compound heterozygous with a second variant (PMID: 19812541). Given the available evidence, this variant is classified as Pathogenic.

Dasa
Classification: Pathogenic. Last evaluated: 2025-11-13. Review status: criteria provided, single submitter. Criteria: DASA Assertion Criteria. Collection method: clinical testing. Allele origin: germline.
Comment: NM_004646.4(NPHS1):c.3478C>T (p.Arg1160*) introduces a premature termination codon predicted to result in loss of normal protein function. Loss-of-function is an established mechanism of disease for this gene. This variant has been reported in individuals with related phenotype (PMID: 34859019). The variant is present at low frequency in population datasets. Based on the available data, this variant is classified as pathogenic.

First Genomix Gene Laboratory, Genetic Diagnostics Department
Classification: Pathogenic for Finnish congenital nephrotic syndrome. Last evaluated: 2025-03-17. Review status: criteria provided, single submitter. Criteria: ACMG Guidelines, 2015. Collection method: clinical testing. Allele origin: germline. Inheritance: Autosomal recessive inheritance. Affected: no. Observed: 1 variant allele.

Ambry Genetics
Classification: Pathogenic for Inborn genetic diseases. Last evaluated: 2024-12-06. Review status: criteria provided, single submitter. Criteria: Ambry Variant Classification Scheme 2023. Collection method: clinical testing. Allele origin: germline.
Comment: The c.3478C>T (p.R1160*) alteration, located in exon 27 (coding exon 27) of the NPHS1 gene, consists of a C to T substitution at nucleotide position 3478. This changes the amino acid from a arginine (R) to a stop codon at amino acid position 1160. This alteration is expected to result in loss of function by premature protein truncation or nonsense-mediated mRNA decay. Based on data from gnomAD, the T allele has an overall frequency of 0.01% (25/251434) total alleles studied. The highest observed frequency was 0.039% (12/30616) of South Asian alleles. This variant has been identified in the homozygous state and in conjunction with other NPHS1 variants in individuals with features consistent with NPHS1-related nephrotic syndrome; in at least one instance, the variants were identified in trans (Al Riyami, 2023; Elshafey, 2023; Lu, 2022; Zhu, 2022; Espinosa, 2022; Liu, 2022; Joshi, 2021; Rong, 2021; Warejko, 2018; Bierzynska, 2017; Lenkkeri, 1999). Based on the available evidence, this alteration is classified as pathogenic.

Blueprint Genetics
Classification: Pathogenic for NPHS1-related disorders. Last evaluated: 2024-11-26. Review status: criteria provided, single submitter. Criteria: ACMG Guidelines, 2015. Collection method: clinical testing. Allele origin: germline. Affected: yes. Observed: 5 variant alleles.

3billion
Classification: Pathogenic for Finnish congenital nephrotic syndrome. Last evaluated: 2024-06-04. Review status: criteria provided, single submitter. Criteria: ACMG Guidelines, 2015. Collection method: clinical testing. Allele origin: germline. Affected: yes.
Comment: The variant is observed at an extremely low frequency in the gnomAD v4.0.0 dataset (total allele frequency: 0.006%). Predicted Consequence/Location: Stop-gained (nonsense): predicted to result in a loss or disruption of normal protein function through nonsense-mediated decay (NMD) or protein truncation. Multiple pathogenic variants are reported downstream of the variant. The variant has been reported to be in trans with a pathogenic variant as either compound heterozygous or homozygous in at least one similarly affected unrelated individual (3billion dataset). The variant has been reported at least twice as pathogenic with clinical assertions and evidence for the classification (ClinVar ID: VCV000006873 /PMID: 9915943). Therefore, this variant is classified as Pathogenic according to the recommendation of ACMG/AMP guideline.

GeneDx
Classification: Pathogenic. Last evaluated: 2024-03-19. Review status: criteria provided, single submitter. Criteria: GeneDx Variant Classification Process June 2021. Collection method: clinical testing. Allele origin: germline. Affected: yes.
Comment: Nonsense variant predicted to result in protein truncation or nonsense mediated decay in a gene for which loss of function is a known mechanism of disease; This variant is associated with the following publications: (PMID: 32779909, 34859019, 24742477, 24498843, 25525159, 28204945, 16518627, 31456999, 32363171, 34426522, 33565430, 31589614, 32860008, 32604935, 35064937, 36245711, 9915943, 29127259, 33980730, 37204080, 35755072)

Precision Medicine Center, Zhengzhou University
Classification: Pathogenic for Finnish congenital nephrotic syndrome. Last evaluated: 2023-12-01. Review status: criteria provided, single submitter. Criteria: ACMG Guidelines, 2015. Collection method: clinical testing. Allele origin: paternal. Affected: yes.
Comment: PVS1,PM2_p,PM3,PP4

Neuberg Centre For Genomic Medicine, NCGM
Classification: Pathogenic for Finnish congenital nephrotic syndrome. Last evaluated: 2023-05-20. Review status: criteria provided, single submitter. Criteria: ACMG Guidelines, 2015. Collection method: clinical testing. Allele origin: germline. Inheritance: Autosomal recessive inheritance. Affected: yes.
Comment: The observed stop gained c.3478C>T(p.Arg1160Ter) variant in NPHS1 gene has been reported in homozygous or compound heterozygous state in individual(s) affected with nephrotic syndrome (Koziell A, et. al., 2002; Cil O, et. al., 2015; Wang F, et. al.,2017). Functional studies conducted in HEK293 cells showed that the truncated protein resulting from this variant does not interact with podocin and failed to be recruited by podocin into lipid rafts at the plasma membrane (Huber TB, et. al., 2003). This variant is present with an allele frequency of 0.01% in gnomAD Exomes database. This variant has been reported to the ClinVar database as Pathogenic (multiple submissions). Computational evidence (MutationTaster - disease causing) predicts conflicting evidence on protein structure and function for this variant. The nucleotide change c.3478C>T in NPHS1 is predicted as conserved by GERP++ and PhyloP across 100 vertebrates. This variant is predicted to cause loss of normal protein function through protein truncation. Loss of function variants have been previously reported to be disease causing. For these reasons, this variant has been classified as Pathogenic.

Clinical Genetics Laboratory, Skane University Hospital Lund
Classification: Pathogenic. Last evaluated: 2022-07-13. Review status: criteria provided, single submitter. Criteria: ACMG Guidelines, 2015. Collection method: clinical testing. Allele origin: germline. Affected: yes.

NM_004646.4(NPHS1):c.3478C>T (p.Arg1160Ter)

Gene: NPHS1 (NPHS1 adhesion molecule, nephrin; minus strand). Cytogenetic location: 19q13.12.
Variant type: single nucleotide variant.
Coding change: c.3478C>T on transcript NM_004646.4 (MANE Select); coding-DNA position 3478, C replaced by T.
Protein change: p.Arg1160Ter; replaces arginine 1160 with a stop codon.
Molecular consequence: nonsense.
Genome position (GRCh38, 1-based): chr19:35,831,056, G>A on the plus strand (C>T on the coding strand, the complement: NPHS1 is on the minus strand). VCF-style: chr19-35831056-G-A. GRCh37 (hg19) VCF-style: chr19-36321958-G-A.
Other names: short protein forms R1160*.
Identifiers: ClinVar variation 6873 (VCV000006873.52), dbSNP rs267606919, ClinGen allele CA250037.